The following is an entry in ClinVar:

NM_031935.3(HMCN1):c.12224T>C (p.Val4075Ala)

Gene: HMCN1 (hemicentin 1; plus strand). Cytogenetic location: 1q31.1.
Variant type: single nucleotide variant.
Coding change: c.12224T>C on transcript NM_031935.3 (MANE Select); coding-DNA position 12224, T replaced by C.
Protein change: p.Val4075Ala; replaces valine 4075 with alanine.
Molecular consequence: missense variant.
Genome position (GRCh38, 1-based): chr1:186,120,140, T>C. VCF-style: chr1-186120140-T-C. GRCh37 (hg19) VCF-style: chr1-186089272-T-C.
Other names: short protein forms V4075A.
Identifiers: ClinVar variation 1988571 (VCV001988571.4), dbSNP rs768691453, ClinGen allele CA1294291.

ClinVar aggregate classification (germline): Uncertain significance (1 of 4 stars; one submission).

Allele frequency attached by ClinVar (database versions not stated): gnomAD exomes below 0.00001; TOPMed below 0.00001; ExAC 0.00001.
gnomAD v4.1: 5 of 1,613,804 alleles (0.00031%); highest among the groups gnomAD compares: Admixed American, 0.0017%; no homozygotes.

Submission:

Labcorp Genetics (formerly Invitae), Labcorp
Classification: Uncertain significance. Last evaluated: 2025-07-30. Review status: criteria provided, single submitter. Criteria: Invitae Variant Classification Sherloc (09022015). Collection method: clinical testing. Allele origin: germline.
Comment: This sequence change replaces valine, which is neutral and non-polar, with alanine, which is neutral and non-polar, at codon 4075 of the HMCN1 protein (p.Val4075Ala). This variant is present in population databases (rs768691453, gnomAD 0.0009%). This variant has not been reported in the literature in individuals affected with HMCN1-related conditions. ClinVar contains an entry for this variant (Variation ID: 1988571). An algorithm developed to predict the effect of missense changes on protein structure and function (PolyPhen-2) suggests that this variant is likely to be tolerated. In summary, the available evidence is currently insufficient to determine the role of this variant in disease. Therefore, it has been classified as a Variant of Uncertain Significance.